The following is an entry in ClinVar:

ClinVar aggregate classification (germline): Likely benign. Review status: criteria provided, multiple submitters, no conflicts (2 of 4 stars). 3 submissions from 3 submitters: Likely benign (3). Last evaluated 2025-12-20.

Allele frequency attached by ClinVar (database versions not stated): gnomAD exomes 0.00003 and 0.00009; gnomAD 0.00005; TOPMed 0.00006; ESP Exome Variant Server 0.00008; ExAC 0.00009.
gnomAD v4.1: 57 of 1,606,936 alleles (0.0035%); highest among the groups gnomAD compares: Non-Finnish European, 0.0046%; no homozygotes.

Submissions (3):

Labcorp Genetics (formerly Invitae), Labcorp
Classification: Likely benign. Last evaluated: 2025-12-20. Review status: criteria provided, single submitter. Criteria: Invitae Variant Classification Sherloc (09022015). Collection method: clinical testing. Allele origin: germline.

Blueprint Genetics
Classification: Likely benign. Last evaluated: 2024-07-02. Review status: criteria provided, single submitter. Criteria: ACMG Guidelines, 2015. Collection method: clinical testing. Allele origin: germline.

GeneDx
Classification: Likely benign. Last evaluated: 2018-01-29. Review status: criteria provided, single submitter. Criteria: GeneDx Variant Classification (06012015). Collection method: clinical testing. Allele origin: germline. Affected: yes.
Comment: This variant is considered likely benign or benign based on one or more of the following criteria: it is a conservative change, it occurs at a poorly conserved position in the protein, it is predicted to be benign by multiple in silico algorithms, and/or has population frequency not consistent with disease.

NM_001854.4(COL11A1):c.1683+20C>G

Gene: COL11A1 (collagen type XI alpha 1 chain; minus strand). Cytogenetic location: 1p21.1.
Variant type: single nucleotide variant.
Coding change: c.1683+20C>G on transcript NM_001854.4 (MANE Select); 20 bases into the intron after coding-DNA position 1683, C replaced by G.
Molecular consequence: intron variant.
Genome position (GRCh38, 1-based): chr1:103,008,443, G>C on the plus strand (C>G on the coding strand, the complement: COL11A1 is on the minus strand). VCF-style: chr1-103008443-G-C. GRCh37 (hg19) VCF-style: chr1-103473999-G-C.
Other names: c.1566+20C>G (NM_001190709.2); c.1719+20C>G (NM_080629.3); c.1335+20C>G (NM_080630.4).
Identifiers: ClinVar variation 514965 (VCV000514965.10), dbSNP rs373143275, ClinGen allele CA974882.